The following is an entry in ClinVar:

ClinVar aggregate classification (germline): Likely benign. Review status: criteria provided, multiple submitters, no conflicts (2 of 4 stars). 2 submissions from 2 submitters: Likely benign (2). Last evaluated 2024-05-07.

Allele frequency attached by ClinVar (database versions not stated): gnomAD exomes 0.00004 and 0.00010; TOPMed 0.00004; ExAC 0.00005; gnomAD 0.00005 and 0.00006.
gnomAD v4.1: 102 of 1,024,974 alleles (0.01%); highest among the groups gnomAD compares: Non-Finnish European, 0.013%; no homozygotes.

Submissions (2):

Labcorp Genetics (formerly Invitae), Labcorp
Classification: Likely benign. Last evaluated: 2024-05-07. Review status: criteria provided, single submitter. Criteria: Invitae Variant Classification Sherloc (09022015). Collection method: clinical testing. Allele origin: germline.

GeneDx
Classification: Likely benign. Last evaluated: 2017-06-07. Review status: criteria provided, single submitter. Criteria: GeneDx Variant Classification (06012015). Collection method: clinical testing. Allele origin: germline. Affected: yes.
Comment: This variant is considered likely benign or benign based on one or more of the following criteria: it is a conservative change, it occurs at a poorly conserved position in the protein, it is predicted to be benign by multiple in silico algorithms, and/or has population frequency not consistent with disease.

NM_005032.7(PLS3):c.1377+4G>A

Gene: PLS3 (plastin 3; plus strand). Cytogenetic location: Xq23.
Variant type: single nucleotide variant.
Coding change: c.1377+4G>A on transcript NM_005032.7 (MANE Select); 4 bases into the intron after coding-DNA position 1377, G replaced by A.
Molecular consequence: intron variant.
Genome position (GRCh38, 1-based): chrX:115,646,190, G>A. VCF-style: chrX-115646190-G-A. GRCh37 (hg19) VCF-style: chrX-114880510-G-A.
Other names: c.1338+4G>A (NM_001282337.2); c.1242+4G>A (NM_001282338.2); c.1377+4G>A (NM_001136025.5); c.1296+4G>A (NM_001172335.3).
Identifiers: ClinVar variation 509951 (VCV000509951.6), dbSNP rs782807818, ClinGen allele CA10497057.